The following is an entry in ClinVar:

NM_001122955.4(BSCL2):c.338A>G (p.Tyr113Cys)

Genes: BSCL2 (BSCL2 lipid droplet biogenesis associated, seipin; minus strand), HNRNPUL2-BSCL2 (HNRNPUL2-BSCL2 readthrough (NMD candidate); minus strand). Cytogenetic location: 11q12.3.
Variant type: single nucleotide variant.
Coding change: c.338A>G on transcript NM_001122955.4 (MANE Select); coding-DNA position 338, A replaced by G.
Protein change: p.Tyr113Cys; replaces tyrosine 113 with cysteine.
Molecular consequence: missense variant. On other transcripts: non-coding transcript variant (1).
Genome position (GRCh38, 1-based): chr11:62,705,367, T>C on the plus strand (A>G on the coding strand, the complement: BSCL2 is on the minus strand). VCF-style: chr11-62705367-T-C. GRCh37 (hg19) VCF-style: chr11-62472839-T-C.
Other names: c.146A>G, p.Tyr49Cys (NM_001130702.2, NM_032667.6); c.338A>G, p.Tyr113Cys (NM_001386027.1, NM_001386028.1); short protein forms Y49C, Y113C.
Identifiers: ClinVar variation 1773320 (VCV001773320.6), dbSNP rs148132646, ClinGen allele CA6053620.

ClinVar aggregate classification (germline): Uncertain significance. Review status: criteria provided, multiple submitters, no conflicts (2 of 4 stars). 4 submissions from 4 submitters: Uncertain significance (4). Last evaluated 2026-03-06.

Conditions:
Inborn genetic diseases. Identifiers: MedGen C0950123, MeSH D030342.
Charcot-Marie-Tooth disease type 2. Also called: Charcot-Marie-Tooth type 2. Identifiers: Orphanet 64746, MedGen C0270914, MONDO:0018993.

Allele frequency attached by ClinVar (database versions not stated): gnomAD exomes below 0.00001; ExAC 0.00003; ESP Exome Variant Server 0.00008.
gnomAD v4.1: 6 of 1,614,008 alleles (0.00037%); highest among the groups gnomAD compares: East Asian, 0.0022%; no homozygotes.

Submissions (4):

GeneDx
Classification: Uncertain significance. Last evaluated: 2026-03-06. Review status: criteria provided, single submitter. Criteria: GeneDx Variant Classification Process June 2021. Collection method: clinical testing. Allele origin: germline.
Comment: In silico analysis supports that this missense variant has a deleterious effect on protein structure/function; Has not been previously published as pathogenic or benign to our knowledge; This variant is associated with the following publications: (PMID: 18790819)

Labcorp Genetics (formerly Invitae), Labcorp
Classification: Uncertain significance for Charcot-Marie-Tooth disease type 2. Last evaluated: 2025-12-03. Review status: criteria provided, single submitter. Criteria: Invitae Variant Classification Sherloc (09022015). Collection method: clinical testing. Allele origin: germline.
Comment: This sequence change replaces tyrosine, which is neutral and polar, with cysteine, which is neutral and slightly polar, at codon 49 of the BSCL2 protein (p.Tyr49Cys). This variant is present in population databases (rs148132646, gnomAD 0.01%). This variant has not been reported in the literature in individuals affected with BSCL2-related conditions. ClinVar contains an entry for this variant (Variation ID: 1773320). Invitae Evidence Modeling of protein sequence and biophysical properties (such as structural, functional, and spatial information, amino acid conservation, physicochemical variation, residue mobility, and thermodynamic stability) indicates that this missense variant is expected to disrupt BSCL2 protein function with a positive predictive value of 80%. In summary, the available evidence is currently insufficient to determine the role of this variant in disease. Therefore, it has been classified as a Variant of Uncertain Significance.

Dasa
Classification: Uncertain significance. Last evaluated: 2025-04-30. Review status: criteria provided, single submitter. Criteria: DASA Assertion Criteria. Collection method: clinical testing. Allele origin: germline.
Comment: NM_001122955.4(BSCL2):c.338A>G (p.Tyr113Cys) is a missense variant that results in the substitution of tyrosine with cysteine. This variant is rare in population databases. Computational prediction algorithms are consistent with a deleterious effect. The currently available literature and clinical evidence are not sufficient to establish a definitive association between this variant and the reported condition. Therefore, this variant is classified as a variant of uncertain significance.

Ambry Genetics
Classification: Uncertain significance for Inborn genetic diseases. Last evaluated: 2021-02-17. Review status: criteria provided, single submitter. Criteria: Ambry Variant Classification Scheme 2023. Collection method: clinical testing. Allele origin: germline.
Comment: The p.Y49C variant (also known as c.146A>G), located in coding exon 1 of the BSCL2 gene, results from an A to G substitution at nucleotide position 146. The tyrosine at codon 49 is replaced by cysteine, an amino acid with highly dissimilar properties. This amino acid position is highly conserved in available vertebrate species. In addition, this alteration is predicted to be deleterious by in silico analysis. Since supporting evidence is limited at this time, the clinical significance of this alteration remains unclear.